The following is an entry in ClinVar:

NM_001113378.2(FANCI):c.2197A>G (p.Thr733Ala)

Gene: FANCI (FA complementation group I; plus strand). Cytogenetic location: 15q26.1.
Variant type: single nucleotide variant.
Coding change: c.2197A>G on transcript NM_001113378.2 (MANE Select); coding-DNA position 2197, A replaced by G.
Protein change: p.Thr733Ala; replaces threonine 733 with alanine.
Molecular consequence: missense variant.
Genome position (GRCh38, 1-based): chr15:89,292,969, A>G. VCF-style: chr15-89292969-A-G. GRCh37 (hg19) VCF-style: chr15-89836200-A-G.
Other names: c.1918A>G, p.Thr640Ala (NM_001376910.1); c.2197A>G, p.Thr733Ala (NM_001376911.1, NM_018193.3); short protein forms T640A, T733A.
Identifiers: ClinVar variation 1376634 (VCV001376634.6), dbSNP rs2054122961, ClinGen allele CA393749322.

ClinVar aggregate classification (germline): Uncertain significance (1 of 4 stars; one submission).

Conditions:
Fanconi anemia (FA). Also called: Fanconi's anemia. Identifiers: Orphanet 84, MedGen C0015625, MeSH D005199, MONDO:0019391.

Submission:

Labcorp Genetics (formerly Invitae), Labcorp
Classification: Uncertain significance for Fanconi anemia. Last evaluated: 2021-09-21. Review status: criteria provided, single submitter. Criteria: Invitae Variant Classification Sherloc (09022015). Collection method: clinical testing. Allele origin: germline.
Comment: In summary, the available evidence is currently insufficient to determine the role of this variant in disease. Therefore, it has been classified as a Variant of Uncertain Significance. Algorithms developed to predict the effect of missense changes on protein structure and function (SIFT, PolyPhen-2, Align-GVGD) all suggest that this variant is likely to be tolerated. This variant has not been reported in the literature in individuals affected with FANCI-related conditions. This variant is not present in population databases (ExAC no frequency). This sequence change replaces threonine with alanine at codon 733 of the FANCI protein (p.Thr733Ala). The threonine residue is weakly conserved and there is a small physicochemical difference between threonine and alanine.